The following is an entry in ClinVar:

NM_000093.5(COL5A1):c.2693G>T (p.Gly898Val)

Gene: COL5A1 (collagen type V alpha 1 chain; plus strand). Cytogenetic location: 9q34.3.
Variant type: single nucleotide variant.
Coding change: c.2693G>T on transcript NM_000093.5 (MANE Select); coding-DNA position 2693, G replaced by T.
Protein change: p.Gly898Val; replaces glycine 898 with valine.
Molecular consequence: missense variant.
Genome position (GRCh38, 1-based): chr9:134,789,201, G>T. VCF-style: chr9-134789201-G-T. GRCh37 (hg19) VCF-style: chr9-137681047-G-T.
Other names: c.2693G>T, p.Gly898Val (NM_001278074.1); short protein forms G898V.
Identifiers: ClinVar variation 1377065 (VCV001377065.6), dbSNP rs910417046, ClinGen allele CA375455875.

ClinVar aggregate classification (germline): Uncertain significance (1 of 4 stars; one submission).

Conditions:
Ehlers-Danlos syndrome, classic type, 1 (EDSCL1). Also called: EHLERS-DANLOS SYNDROME, GRAVIS TYPE; EHLERS-DANLOS SYNDROME, SEVERE CLASSIC TYPE; Ehlers-Danlos syndrome, type 1; EDS I; Ehlers-Danlos Syndrome, Classic Type, COL5A1-Related. Identifiers: MedGen C0268335, MONDO:0019567, OMIM 130000.

Submission:

Labcorp Genetics (formerly Invitae), Labcorp
Classification: Uncertain significance for Ehlers-Danlos syndrome, classic type, 1. Last evaluated: 2021-08-23. Review status: criteria provided, single submitter. Criteria: Invitae Variant Classification Sherloc (09022015). Collection method: clinical testing. Allele origin: germline.
Comment: In summary, the available evidence is currently insufficient to determine the role of this variant in disease. Therefore, it has been classified as a Variant of Uncertain Significance. This variant disrupts the triple helix domain of COL5A1. Glycine residues within the Gly-Xaa-Yaa repeats of the triple helix domain are required for the structure and stability of fibrillar collagens (PMID: 7695699, 8218237, 19344236), and variants at these glycine residues in COL5A1 are more frequently observed in individuals with disease than in the general population (PMID: 22696272, 23587214). However, the clinical significance of this observation remains uncertain since only a limited number of affected individuals have been described to date. Algorithms developed to predict the effect of sequence changes on RNA splicing suggest that this variant may create or strengthen a splice site. Advanced modeling of protein sequence and biophysical properties (such as structural, functional, and spatial information, amino acid conservation, physicochemical variation, residue mobility, and thermodynamic stability) performed at Invitae indicates that this missense variant is expected to disrupt COL5A1 protein function. This variant has not been reported in the literature in individuals affected with COL5A1-related conditions. This variant is not present in population databases (ExAC no frequency). This sequence change replaces glycine with valine at codon 898 of the COL5A1 protein (p.Gly898Val). The glycine residue is highly conserved and there is a moderate physicochemical difference between glycine and valine.

Literature cited by the submitters: PubMed 7695699; PubMed 8218237; PubMed 19344236; PubMed 22696272; PubMed 23587214.